The following is an entry in ClinVar:

ClinVar aggregate classification (germline): Uncertain significance (1 of 4 stars; one submission).

Allele frequency attached by ClinVar (database versions not stated): ExAC 0.00002.
gnomAD v4.1: 2 of 1,599,098 alleles (0.00013%); highest among the groups gnomAD compares: Non-Finnish European, 0.00017%; no homozygotes.

Submission:

Labcorp Genetics (formerly Invitae), Labcorp
Classification: Uncertain significance. Last evaluated: 2023-10-05. Review status: criteria provided, single submitter. Criteria: Invitae Variant Classification Sherloc (09022015). Collection method: clinical testing. Allele origin: germline.
Comment: This sequence change replaces arginine, which is basic and polar, with glutamine, which is neutral and polar, at codon 324 of the PDE4D protein (p.Arg324Gln). This variant is present in population databases (rs774783517, gnomAD 0.002%). This variant has not been reported in the literature in individuals affected with PDE4D-related conditions. Advanced modeling of protein sequence and biophysical properties (such as structural, functional, and spatial information, amino acid conservation, physicochemical variation, residue mobility, and thermodynamic stability) performed at Invitae indicates that this missense variant is not expected to disrupt PDE4D protein function. In summary, the available evidence is currently insufficient to determine the role of this variant in disease. Therefore, it has been classified as a Variant of Uncertain Significance.

NM_001104631.2(PDE4D):c.971G>A (p.Arg324Gln)

Gene: PDE4D (phosphodiesterase 4D; minus strand). Cytogenetic location: 5q11.2.
Variant type: single nucleotide variant.
Coding change: c.971G>A on transcript NM_001104631.2 (MANE Select); coding-DNA position 971, G replaced by A.
Protein change: p.Arg324Gln; replaces arginine 324 with glutamine.
Molecular consequence: missense variant.
Genome position (GRCh38, 1-based): chr5:58,993,416, C>T on the plus strand (G>A on the coding strand, the complement: PDE4D is on the minus strand). VCF-style: chr5-58993416-C-T. GRCh37 (hg19) VCF-style: chr5-58289243-C-T.
Other names: c.788G>A, p.Arg263Gln (NM_001165899.2, NM_001364599.1); c.779G>A, p.Arg260Gln (NM_001197218.2); c.605G>A, p.Arg202Gln (NM_001197219.2); c.581G>A, p.Arg194Gln (NM_001197220.2); c.65G>A, p.Arg22Gln (NM_001197221.2, NM_001364603.1); c.299G>A, p.Arg100Gln (NM_001197222.2); c.98G>A, p.Arg33Gln (NM_001197223.2); c.758G>A, p.Arg253Gln (NM_001349241.2); and 3 more; short protein forms R188Q, R263Q, R194Q, R202Q, R22Q, R253Q, R260Q, R324Q.
Identifiers: ClinVar variation 2755372 (VCV002755372.3), dbSNP rs774783517, ClinGen allele CA3276180.
Genomic context (GRCh38, chr5:58,993,416, plus strand): 5'-ATGTTGTTATTCTCACCTAAGAATGTGTTTGATATAAACTCTGACACTTGATTTCCAGAC[C>T]GACTCATTTCAGAGAGATGGGTGAGCTCCCGATTAAGCATCCTTTTAAACTGAAAAACAG-3'
Protein context (NP_001098101.1, residues 314-334): RELTHLSEMS[Arg324Gln]SGNQVSEFIS